The following is an entry in ClinVar:

ClinVar aggregate classification (germline): Uncertain significance (1 of 4 stars; one submission).

Conditions:
Aicardi-Goutieres syndrome 5. Identifiers: Orphanet 51, MedGen C2749659, MONDO:0013059, OMIM 612952.

Submission:

Labcorp Genetics (formerly Invitae), Labcorp
Classification: Uncertain significance for Aicardi-Goutieres syndrome 5. Last evaluated: 2024-02-17. Review status: criteria provided, single submitter. Criteria: Invitae Variant Classification Sherloc (09022015). Collection method: clinical testing. Allele origin: germline.
Comment: This sequence change replaces glycine, which is neutral and non-polar, with alanine, which is neutral and non-polar, at codon 95 of the SAMHD1 protein (p.Gly95Ala). This variant is not present in population databases (gnomAD no frequency). This variant has not been reported in the literature in individuals affected with SAMHD1-related conditions. ClinVar contains an entry for this variant (Variation ID: 1419026). Algorithms developed to predict the effect of missense changes on protein structure and function output the following: SIFT: "Not Available"; PolyPhen-2: "Benign"; Align-GVGD: "Not Available". The alanine amino acid residue is found in multiple mammalian species, which suggests that this missense change does not adversely affect protein function. In summary, the available evidence is currently insufficient to determine the role of this variant in disease. Therefore, it has been classified as a Variant of Uncertain Significance.

NM_015474.4(SAMHD1):c.284G>C (p.Gly95Ala)

Gene: SAMHD1 (SAM and HD domain containing deoxynucleoside triphosphate triphosphohydrolase 1; minus strand). Cytogenetic location: 20q11.23.
Variant type: single nucleotide variant.
Coding change: c.284G>C on transcript NM_015474.4 (MANE Select); coding-DNA position 284, G replaced by C.
Protein change: p.Gly95Ala; replaces glycine 95 with alanine.
Molecular consequence: missense variant.
Genome position (GRCh38, 1-based): chr20:36,941,103, C>G on the plus strand (G>C on the coding strand, the complement: SAMHD1 is on the minus strand). VCF-style: chr20-36941103-C-G. GRCh37 (hg19) VCF-style: chr20-35569506-C-G.
Other names: c.284G>C, p.Gly95Ala (NM_001363729.2, NM_001363733.2); short protein forms G95A.
Identifiers: ClinVar variation 1419026 (VCV001419026.5), dbSNP rs1277922979, ClinGen allele CA408827824.